The following is an entry in ClinVar:

ClinVar aggregate classification (germline): Uncertain significance (1 of 4 stars; one submission).

Conditions:
Familial thoracic aortic aneurysm and aortic dissection (TAAD). Also called: Thoracic aortic aneurysms and dissections. Identifiers: Orphanet 91387, MedGen C4707243, MONDO:0019625.
Marfan syndrome (MFS). Also called: FBN1-Related Marfan Syndrome; Marfan syndrome type 1; Marfan's syndrome; Marfan syndrome, classic; MARFAN SYNDROME, TYPE I. Identifiers: Orphanet 284963, Orphanet 558, MedGen C0024796, MONDO:0007947, OMIM 154700.

gnomAD v4.1: 1 of 1,613,944 alleles (0.000062%); no homozygotes.

Submission:

Labcorp Genetics (formerly Invitae), Labcorp
Classification: Uncertain significance for Marfan syndrome; Familial thoracic aortic aneurysm and aortic dissection. Last evaluated: 2018-11-06. Review status: criteria provided, single submitter. Criteria: Invitae Variant Classification Sherloc (09022015). Collection method: clinical testing. Allele origin: germline.
Comment: This sequence change replaces glycine with glutamic acid at codon 486 of the FBN1 protein (p.Gly486Glu). The glycine residue is highly conserved and there is a moderate physicochemical difference between glycine and glutamic acid. This variant is not present in population databases (ExAC no frequency). This variant has not been reported in the literature in individuals with FBN1-related disease. Algorithms developed to predict the effect of missense changes on protein structure and function (SIFT, PolyPhen-2, Align-GVGD) all suggest that this variant is likely to be tolerated, but these predictions have not been confirmed by published functional studies and their clinical significance is uncertain. In summary, the available evidence is currently insufficient to determine the role of this variant in disease. Therefore, it has been classified as a Variant of Uncertain Significance.

NM_000138.5(FBN1):c.1457G>A (p.Gly486Glu)

Gene: FBN1 (fibrillin 1; minus strand). Cytogenetic location: 15q21.1.
Variant type: single nucleotide variant.
Coding change: c.1457G>A on transcript NM_000138.5 (MANE Select); coding-DNA position 1457, G replaced by A.
Protein change: p.Gly486Glu; replaces glycine 486 with glutamic acid.
Molecular consequence: missense variant.
Genome position (GRCh38, 1-based): chr15:48,515,398, C>T on the plus strand (G>A on the coding strand, the complement: FBN1 is on the minus strand). VCF-style: chr15-48515398-C-T. GRCh37 (hg19) VCF-style: chr15-48807595-C-T.
Other names: short protein forms G486E.
Identifiers: ClinVar variation 664156 (VCV000664156.1), dbSNP rs1597580913, ClinGen allele CA392343595.